The following is an entry in ClinVar:

ClinVar aggregate classification (germline): Uncertain significance (1 of 4 stars; one submission).

Submission:

GeneDx
Classification: Uncertain significance. Last evaluated: 2023-04-19. Review status: criteria provided, single submitter. Criteria: GeneDx Variant Classification Process June 2021. Collection method: clinical testing. Allele origin: germline. Affected: yes.
Comment: Not observed at significant frequency in large population cohorts (gnomAD); Missense variants in this gene are often considered pathogenic (HGMD); In silico analysis supports that this missense variant has a deleterious effect on protein structure/function; This substitution is predicted to be within the cytoplasmic loop between the second and third homologous domains.; Has not been previously published as pathogenic or benign to our knowledge

NM_001330260.2(SCN8A):c.3094A>G (p.Lys1032Glu)

Gene: SCN8A (sodium voltage-gated channel alpha subunit 8; plus strand). Cytogenetic location: 12q13.13.
Variant type: single nucleotide variant.
Coding change: c.3094A>G on transcript NM_001330260.2 (MANE Select); coding-DNA position 3094, A replaced by G.
Protein change: p.Lys1032Glu; replaces lysine 1032 with glutamic acid.
Molecular consequence: missense variant.
Genome position (GRCh38, 1-based): chr12:51,769,057, A>G. VCF-style: chr12-51769057-A-G. GRCh37 (hg19) VCF-style: chr12-52162841-A-G.
Other names: c.3094A>G, p.Lys1032Glu (NM_001177984.3, NM_001369788.1, NM_014191.4); short protein forms K1032E.
Identifiers: ClinVar variation 3253338 (VCV003253338.1), dbSNP rs1555226130.
Genomic context (GRCh38, chr12:51,769,057, plus strand): 5'-AAACTAAAGGTGCACGCCTTCATGCAGGCCCACTTTAAGCAGCGTGAGGCTGATGAGGTG[A>G]AGCCTCTGGATGAGTTGTATGAAAAGAAGGCCAACTGTATCGCCAATCACACCGGTGCAG-3'
Protein context (NP_001317189.1, residues 1022-1042): HFKQREADEV[Lys1032Glu]PLDELYEKKA